The following is an entry in ClinVar:

NM_000252.3(MTM1):c.690G>T (p.Trp230Cys)

Gene: MTM1 (myotubularin 1; plus strand). Cytogenetic location: Xq28.
Variant type: single nucleotide variant.
Coding change: c.690G>T on transcript NM_000252.3 (MANE Select); coding-DNA position 690, G replaced by T.
Protein change: p.Trp230Cys; replaces tryptophan 230 with cysteine.
Molecular consequence: missense variant.
Genome position (GRCh38, 1-based): chrX:150,645,694, G>T. VCF-style: chrX-150645694-G-T. GRCh37 (hg19) VCF-style: chrX-149814167-G-T.
Other names: NC_000023.10:g.149814167G>T; NM_000252.3(MTM1):c.690G>T; p.Trp230Cys; c.690G>T, p.Trp230Cys (NM_001376906.1, NM_001376908.1); c.579G>T, p.Trp193Cys (NM_001376907.1); short protein forms W230C, W193C.
Identifiers: ClinVar variation 4475856 (VCV004475856.2).

ClinVar aggregate classification (germline): Likely pathogenic (3 of 4 stars; one submission).

Conditions:
Centronuclear myopathy (CNM). Also called: Myotubular myopathy; Centronuclear myopathy, congenital. Identifiers: Orphanet 595, MedGen C0175709, MONDO:0018947. Inheritance: All.

Submissions (2):

ClinGen Congenital Myopathies Variant Curation Expert Panel, ClinGen
Classification: Likely pathogenic for Centronuclear myopathy. Last evaluated: 2025-11-10. Review status: reviewed by expert panel. Criteria: ClinGen CongenMyopathy ACMG Specifications MTM1 V1.0.0. Collection method: curation. Allele origin: germline. Inheritance: X-linked inheritance.
Comment: The NM_000252.3:c.690G>T (p.Trp230Cys) variant in MTM1 is a missense variant predicted to cause substitution of tryptophan by cysteine at amino acid 230. This variant is absent from gnomAD v4.1.0 (PM2_supporting). The computational predictor REVEL gives a score of 0.901, which is above the Congenital Myopathies VCEP threshold of 0.7, evidence that correlates with impact to MTM1 function (PP3). Another missense variant (c.688T>C, p.Trp230Arg) [VCV000092677] in the same codon has been classified as likely pathogenic for X-linked centronuclear myopathy by the ClinGen Congenital Myopathies VCEP indicating that this residue may be critical to MTM1 function (PM5_Supporting). This variant has been reported in 3 male probands with features of myotubular myopathy (PS4_moderate; PMIDs: 10063835, 12522554, VCEP internal contributor). Expression-level evidence in HEK293 cells showed significantly reduced expression of the mutant protein indicating that this variant impacts protein stability and likely protein function (PMID: 37101954; PS3_supporting). In summary, this variant meets the criteria to be classified as likely pathogenic for X-linked centronuclear myopathy based on the ACMG/AMP criteria applied, as specified by the ClinGen Congenital Myopathies VCEP: PM2_supporting, PP3, PM5_supporting, PS4_moderate, PS3_supporting (VCEP Specifications Version 1.0.0; 11/10/2025).

Dr. Peter K. Rogan Lab, Western University
No classification provided (evidence only). Condition: Thyroid cancer, nonmedullary, 1. Review status: no classification provided. Collection method: in vitro. Allele origin: not applicable. Functional consequence: retained intron. Not counted in ClinVar's aggregate classification.

Literature cited by the submitters: PubMed 37101954 (cited by ClinGen Congenital Myopathies Variant Curation Expert Panel, ClinGen).